The following is an entry in ClinVar:

NM_014927.5(CNKSR2):c.196A>G (p.Ile66Val)

Gene: CNKSR2 (connector enhancer of kinase suppressor of Ras 2; plus strand). Cytogenetic location: Xp22.12.
Variant type: single nucleotide variant.
Coding change: c.196A>G on transcript NM_014927.5 (MANE Select); coding-DNA position 196, A replaced by G.
Protein change: p.Ile66Val; replaces isoleucine 66 with valine.
Molecular consequence: missense variant.
Genome position (GRCh38, 1-based): chrX:21,426,628, A>G. VCF-style: chrX-21426628-A-G. GRCh37 (hg19) VCF-style: chrX-21444746-A-G.
Other names: c.196A>G, p.Ile66Val (NM_001168647.3, NM_001168648.3, NM_001168649.3 and 4 more transcripts); short protein forms I66V.
Identifiers: ClinVar variation 3253504 (VCV003253504.1), dbSNP rs2518787877.

ClinVar aggregate classification (germline): Uncertain significance (1 of 4 stars; one submission).

Submission:

GeneDx
Classification: Uncertain significance. Last evaluated: 2023-12-10. Review status: criteria provided, single submitter. Criteria: GeneDx Variant Classification Process June 2021. Collection method: clinical testing. Allele origin: germline. Affected: yes.
Comment: Not observed at significant frequency in large population cohorts (gnomAD); In silico analysis supports that this missense variant does not alter protein structure/function; Has not been previously published as pathogenic or benign to our knowledge